The following is an entry in ClinVar:

ClinVar aggregate classification (germline): Uncertain significance. Review status: criteria provided, multiple submitters, no conflicts (2 of 4 stars). 2 submissions from 2 submitters: Uncertain significance (2). Last evaluated 2022-09-18.

Conditions:
Hereditary cancer-predisposing syndrome. Also called: Neoplastic Syndromes, Hereditary; Tumor predisposition; Hereditary Cancer Syndrome; Hereditary neoplastic syndrome. Identifiers: Orphanet 140162, MedGen C0027672, MeSH D009386, MONDO:0015356.
Hereditary breast ovarian cancer syndrome. Also called: Hereditary breast and ovarian cancer; Hereditary breast and ovarian cancer syndrome (HBOC); BRCA1- and BRCA2-Associated Hereditary Breast and Ovarian Cancer; Breast and ovarian cancer; Hereditary breast and/or ovarian cancer syndrome; Hereditary breast and ovarian cancer syndrome. Identifiers: Orphanet 145, MedGen C0677776, MeSH D061325, MONDO:0003582. Disease mechanism: loss of function.

gnomAD v4.1: 1 of 1,614,150 alleles (0.000062%); no homozygotes.

Submissions (2):

Ambry Genetics
Classification: Uncertain significance for Hereditary cancer-predisposing syndrome. Last evaluated: 2022-09-18. Review status: criteria provided, single submitter. Criteria: Ambry Variant Classification Scheme 2023. Collection method: clinical testing. Allele origin: germline.
Comment: The p.D2733H variant (also known as c.8197G>C), located in coding exon 17 of the BRCA2 gene, results from a G to C substitution at nucleotide position 8197. The aspartic acid at codon 2733 is replaced by histidine, an amino acid with similar properties. This amino acid position is conserved. In addition, this alteration is predicted to be deleterious by in silico analysis. Since supporting evidence is limited at this time, the clinical significance of this alteration remains unclear.

Labcorp Genetics (formerly Invitae), Labcorp
Classification: Uncertain significance for Hereditary breast ovarian cancer syndrome. Last evaluated: 2022-03-05. Review status: criteria provided, single submitter. Criteria: Invitae Variant Classification Sherloc (09022015). Collection method: clinical testing. Allele origin: germline.
Comment: This variant has not been reported in the literature in individuals affected with BRCA2-related conditions. Algorithms developed to predict the effect of missense changes on protein structure and function (SIFT, PolyPhen-2, Align-GVGD) all suggest that this variant is likely to be disruptive. In summary, the available evidence is currently insufficient to determine the role of this variant in disease. Therefore, it has been classified as a Variant of Uncertain Significance. This variant is not present in population databases (gnomAD no frequency). This sequence change replaces aspartic acid, which is acidic and polar, with histidine, which is basic and polar, at codon 2733 of the BRCA2 protein (p.Asp2733His).

NM_000059.4(BRCA2):c.8197G>C (p.Asp2733His)

Gene: BRCA2 (BRCA2 DNA repair associated; plus strand). Cytogenetic location: 13q13.1.
Variant type: single nucleotide variant.
Coding change: c.8197G>C on transcript NM_000059.4 (MANE Select); coding-DNA position 8197, G replaced by C.
Protein change: p.Asp2733His; replaces aspartic acid 2733 with histidine.
Molecular consequence: missense variant.
Genome position (GRCh38, 1-based): chr13:32,363,399, G>C. VCF-style: chr13-32363399-G-C. GRCh37 (hg19) VCF-style: chr13-32937536-G-C.
Other names: c.8101G>C, p.Asp2701His (NM_001406719.1); c.8197G>C, p.Asp2733His (NM_001406720.1); c.3265G>C, p.Asp1089His (NM_001406721.1); c.1780G>C, p.Asp594His (NM_001406722.1); short protein forms D1089H, D2733H, D594H, D2701H.
Identifiers: ClinVar variation 1762363 (VCV001762363.7), dbSNP rs1325419593, ClinGen allele CA387749711.
Genomic context (GRCh38, chr13:32,363,399, plus strand): 5'-ACCCAAAAAGTGGCCATTATTGAACTTACAGATGGGTGGTATGCTGTTAAGGCCCAGTTA[G>C]ATCCTCCCCTCTTAGCTGTCTTAAAGAATGGCAGACTGACAGTTGGTCAGAAGATTATTC-3'
Protein context (NP_000050.3, residues 2723-2743): DGWYAVKAQL[Asp2733His]PPLLAVLKNG